The following is an entry in ClinVar:

NM_033305.3(VPS13A):c.1132C>T (p.Pro378Ser)

Gene: VPS13A (vacuolar protein sorting 13 homolog A; plus strand). Cytogenetic location: 9q21.2.
Variant type: single nucleotide variant.
Coding change: c.1132C>T on transcript NM_033305.3 (MANE Select); coding-DNA position 1132, C replaced by T.
Protein change: p.Pro378Ser; replaces proline 378 with serine.
Molecular consequence: missense variant.
Genome position (GRCh38, 1-based): chr9:77,221,327, C>T. VCF-style: chr9-77221327-C-T. GRCh37 (hg19) VCF-style: chr9-79836243-C-T.
Other names: c.1132C>T, p.Pro378Ser (NM_001018037.2, NM_001018038.3, NM_015186.4); c.1132C>T (NM_033305.2); short protein forms P378S.
Identifiers: ClinVar variation 2173332 (VCV002173332.2), dbSNP rs769458307, ClinGen allele CA5091589.
Genomic context (GRCh38, chr9:77,221,327, plus strand): 5'-CATAGGCAAAAAGTGAAGCAATATAAAGAACTGTATAAAAAAAAGTTAACAAGTAAGAAG[C>T]CACCTGGTGAACTTCTCGTGTCTTTGGAGGTTAGCATTTAAAATGAAATTGTTGAGTGTT-3'
Protein context (NP_150648.2, residues 368-388): LYKKKLTSKK[Pro378Ser]PGELLVSLEE

ClinVar aggregate classification (germline): Uncertain significance. Review status: criteria provided, multiple submitters, no conflicts (2 of 4 stars). 2 submissions from 2 submitters: Uncertain significance (2). Last evaluated 2025-12-15.

Conditions:
Inborn genetic diseases. Identifiers: MedGen C0950123, MeSH D030342.

Allele frequency attached by ClinVar (database versions not stated): ExAC 0.00001; gnomAD 0.00001; gnomAD exomes 0.00001.
gnomAD v4.1: 13 of 1,612,940 alleles (0.00081%); highest among the groups gnomAD compares: Admixed American, 0.0017%; no homozygotes.

Submissions (2):

Ambry Genetics
Classification: Uncertain significance for Inborn genetic diseases. Last evaluated: 2025-12-15. Review status: criteria provided, single submitter. Criteria: Ambry Variant Classification Scheme 2023. Collection method: clinical testing. Allele origin: germline.

Labcorp Genetics (formerly Invitae), Labcorp
Classification: Uncertain significance. Last evaluated: 2021-10-14. Review status: criteria provided, single submitter. Criteria: Invitae Variant Classification Sherloc (09022015). Collection method: clinical testing. Allele origin: germline.
Comment: This sequence change replaces proline with serine at codon 378 of the VPS13A protein (p.Pro378Ser). The proline residue is moderately conserved and there is a moderate physicochemical difference between proline and serine. This variant is present in population databases (rs769458307, ExAC 0.002%). This variant has not been reported in the literature in individuals affected with VPS13A-related conditions. Algorithms developed to predict the effect of missense changes on protein structure and function are either unavailable or do not agree on the potential impact of this missense change (SIFT: "Tolerated"; PolyPhen-2: "Possibly Damaging"; Align-GVGD: "Class C0"). In summary, the available evidence is currently insufficient to determine the role of this variant in disease. Therefore, it has been classified as a Variant of Uncertain Significance.